The following is an entry in ClinVar:

ClinVar aggregate classification (germline): Uncertain significance (1 of 4 stars; one submission).

Conditions:
Neurofibromatosis, type 1 (NF1). Also called: Peripheral type neurofibromatosis; NEUROFIBROMATOSIS, TYPE I, SOMATIC; VON RECKLINGHAUSEN DISEASE; Neurofibromatosis, type I. Identifiers: Orphanet 636, MedGen C0027831, MONDO:0018975, OMIM 162200. Disease mechanism: loss of function.

Submission:

Labcorp Genetics (formerly Invitae), Labcorp
Classification: Uncertain significance for Neurofibromatosis, type 1. Last evaluated: 2023-08-05. Review status: criteria provided, single submitter. Criteria: Invitae Variant Classification Sherloc (09022015). Collection method: clinical testing. Allele origin: germline.
Comment: This sequence change replaces histidine, which is basic and polar, with tyrosine, which is neutral and polar, at codon 1007 of the NF1 protein (p.His1007Tyr). This variant is not present in population databases (gnomAD no frequency). This variant has not been reported in the literature in individuals affected with NF1-related conditions. Advanced modeling of protein sequence and biophysical properties (such as structural, functional, and spatial information, amino acid conservation, physicochemical variation, residue mobility, and thermodynamic stability) performed at Invitae indicates that this missense variant is not expected to disrupt NF1 protein function. In summary, the available evidence is currently insufficient to determine the role of this variant in disease. Therefore, it has been classified as a Variant of Uncertain Significance.

NM_001042492.3(NF1):c.3019C>T (p.His1007Tyr)

Gene: NF1 (neurofibromin 1; plus strand). Cytogenetic location: 17q11.2.
Variant type: single nucleotide variant.
Coding change: c.3019C>T on transcript NM_001042492.3 (MANE Select); coding-DNA position 3019, C replaced by T.
Protein change: p.His1007Tyr; replaces histidine 1007 with tyrosine.
Molecular consequence: missense variant.
Genome position (GRCh38, 1-based): chr17:31,230,288, C>T. VCF-style: chr17-31230288-C-T. GRCh37 (hg19) VCF-style: chr17-29557306-C-T.
Other names: c.3019C>T, p.His1007Tyr (NM_000267.4); short protein forms H1007Y.
Identifiers: ClinVar variation 2748301 (VCV002748301.3), dbSNP rs2151431533, ClinGen allele CA398986597.